The following is an entry in ClinVar:

NM_001128148.3(TFRC):c.2075C>G (p.Pro692Arg)

Gene: TFRC (transferrin receptor; minus strand). Cytogenetic location: 3q29.
Variant type: single nucleotide variant.
Coding change: c.2075C>G on transcript NM_001128148.3 (MANE Select); coding-DNA position 2075, C replaced by G.
Protein change: p.Pro692Arg; replaces proline 692 with arginine.
Molecular consequence: missense variant.
Genome position (GRCh38, 1-based): chr3:196,052,150, G>C on the plus strand (C>G on the coding strand, the complement: TFRC is on the minus strand). VCF-style: chr3-196052150-G-C. GRCh37 (hg19) VCF-style: chr3-195779021-G-C.
Other names: c.1832C>G, p.Pro611Arg (NM_001313965.2); c.1229C>G, p.Pro410Arg (NM_001313966.2); c.2075C>G, p.Pro692Arg (NM_003234.4); short protein forms P410R, P692R, P611R.
Identifiers: ClinVar variation 1995343 (VCV001995343.4), dbSNP rs1027497110, ClinGen allele CA90740254.

ClinVar aggregate classification (germline): Uncertain significance (1 of 4 stars; one submission).

Allele frequency attached by ClinVar (database versions not stated): TOPMed below 0.00001.

Submission:

Labcorp Genetics (formerly Invitae), Labcorp
Classification: Uncertain significance. Last evaluated: 2022-07-03. Review status: criteria provided, single submitter. Criteria: Invitae Variant Classification Sherloc (09022015). Collection method: clinical testing. Allele origin: germline.
Comment: In summary, the available evidence is currently insufficient to determine the role of this variant in disease. Therefore, it has been classified as a Variant of Uncertain Significance. Algorithms developed to predict the effect of missense changes on protein structure and function are either unavailable or do not agree on the potential impact of this missense change (SIFT: "Tolerated"; PolyPhen-2: "Probably Damaging"; Align-GVGD: "Class C0"). This variant has not been reported in the literature in individuals affected with TFRC-related conditions. This variant is not present in population databases (gnomAD no frequency). This sequence change replaces proline, which is neutral and non-polar, with arginine, which is basic and polar, at codon 692 of the TFRC protein (p.Pro692Arg).